The following is an entry in ClinVar:

ClinVar aggregate classification (germline): Uncertain significance (1 of 4 stars; one submission).

Allele frequency attached by ClinVar (database versions not stated): gnomAD exomes below 0.00001 and 0.00001; gnomAD 0.00001 and 0.00002; 1000 Genomes Project 30x 0.00016; 1000 Genomes Project 0.00020.
gnomAD v4.1: 5 of 1,613,752 alleles (0.00031%); highest among the groups gnomAD compares: East Asian, 0.011%; no homozygotes.

Submission:

Labcorp Genetics (formerly Invitae), Labcorp
Classification: Uncertain significance. Last evaluated: 2023-06-15. Review status: criteria provided, single submitter. Criteria: Invitae Variant Classification Sherloc (09022015). Collection method: clinical testing. Allele origin: germline.
Comment: In summary, the available evidence is currently insufficient to determine the role of this variant in disease. Therefore, it has been classified as a Variant of Uncertain Significance. An algorithm developed to predict the effect of missense changes on protein structure and function (PolyPhen-2) suggests that this variant is likely to be tolerated. ClinVar contains an entry for this variant (Variation ID: 1517212). This variant has not been reported in the literature in individuals affected with TOP2B-related conditions. This variant is present in population databases (rs536401162, gnomAD 0.01%). This sequence change replaces isoleucine, which is neutral and non-polar, with methionine, which is neutral and non-polar, at codon 1525 of the TOP2B protein (p.Ile1525Met).

NM_001330700.2(TOP2B):c.4590T>G (p.Ile1530Met)

Gene: TOP2B (DNA topoisomerase II beta; minus strand). Cytogenetic location: 3p24.2.
Variant type: single nucleotide variant.
Coding change: c.4590T>G on transcript NM_001330700.2 (MANE Select); coding-DNA position 4590, T replaced by G.
Protein change: p.Ile1530Met; replaces isoleucine 1530 with methionine.
Molecular consequence: missense variant.
Genome position (GRCh38, 1-based): chr3:25,601,125, A>C on the plus strand (T>G on the coding strand, the complement: TOP2B is on the minus strand). VCF-style: chr3-25601125-A-C. GRCh37 (hg19) VCF-style: chr3-25642616-A-C.
Other names: c.4575T>G, p.Ile1525Met (NM_001068.3); short protein forms I1530M, I1525M.
Identifiers: ClinVar variation 1517212 (VCV001517212.8), dbSNP rs536401162, ClinGen allele CA71617491.
Genomic context (GRCh38, chr3:25,601,125, plus strand): 5'-ATATGTTTAAAGGGTTATAAGAAGATAATCCTCACCTTTTGGTGTTGTAGTCTTCTTTGG[A>C]ATGCCAAATTCTGAATCCGAGTCAGAGTTTACAGCCTCTACTACTTTCTTCTGTTTTGGG-3'
Protein context (NP_001317629.1, residues 1520-1540): VNSDSDSEFG[Ile1530Met]PKKTTTPKGK